The following is an entry in ClinVar:

ClinVar aggregate classification (germline): Uncertain significance (1 of 4 stars; one submission).

Conditions:
PLCB4-related disorder. Also called: PLCB4-related condition.

gnomAD v4.1: 14 of 1,607,944 alleles (0.00087%); highest among the groups gnomAD compares: Non-Finnish European, 0.0012%; no homozygotes.

Submission:

PreventionGenetics, part of Exact Sciences
Classification: Uncertain significance for PLCB4-related condition. Last evaluated: 2024-10-28. Review status: criteria provided, single submitter. Criteria: ACMG Guidelines, 2015. Collection method: clinical testing. Allele origin: germline.
Comment: The PLCB4 c.3286T>A variant is predicted to result in the amino acid substitution p.Ser1096Thr. To our knowledge, this variant has not been reported in the literature. This variant is reported in 0.0016% of alleles in individuals of European (Non-Finnish) descent in gnomAD. At this time, the clinical significance of this variant is uncertain due to the absence of conclusive functional and genetic evidence.

NM_001377142.1(PLCB4):c.3322T>A (p.Ser1108Thr)

Gene: PLCB4 (phospholipase C beta 4; plus strand). Cytogenetic location: 20p12.2.
Variant type: single nucleotide variant.
Coding change: c.3322T>A on transcript NM_001377142.1 (MANE Select); coding-DNA position 3322, T replaced by A.
Protein change: p.Ser1108Thr; replaces serine 1108 with threonine.
Molecular consequence: missense variant.
Genome position (GRCh38, 1-based): chr20:9,468,644, T>A. VCF-style: chr20-9468644-T-A. GRCh37 (hg19) VCF-style: chr20-9449291-T-A.
Other names: c.3286T>A, p.Ser1096Thr (NM_000933.4, NM_001377134.2, NM_001377135.1 and 2 more transcripts); c.3322T>A, p.Ser1108Thr (NM_001172646.2, NM_001377143.1); short protein forms S1096T, S1108T.
Identifiers: ClinVar variation 4989137 (VCV004989137.1).